The following is an entry in ClinVar:

ClinVar aggregate classification (germline): Uncertain significance (1 of 4 stars; one submission).

Conditions:
Diffuse cerebral and cerebellar atrophy - intractable seizures - progressive microcephaly syndrome. Also called: Microcephaly, progressive, with seizures and cerebral and cerebellar atrophy. Identifiers: Orphanet 404437, MedGen C4014239, MONDO:0014335, OMIM 615760.

Allele frequency attached by ClinVar (database versions not stated): gnomAD exomes below 0.00001.
gnomAD v4.1: 6 of 1,614,198 alleles (0.00037%); highest among the groups gnomAD compares: Non-Finnish European, 0.00042%; no homozygotes.

Submission:

Labcorp Genetics (formerly Invitae), Labcorp
Classification: Uncertain significance for Diffuse cerebral and cerebellar atrophy - intractable seizures - progressive microcephaly syndrome. Last evaluated: 2021-11-18. Review status: criteria provided, single submitter. Criteria: Invitae Variant Classification Sherloc (09022015). Collection method: clinical testing. Allele origin: germline.
Comment: In summary, the available evidence is currently insufficient to determine the role of this variant in disease. Therefore, it has been classified as a Variant of Uncertain Significance. Algorithms developed to predict the effect of missense changes on protein structure and function (SIFT, PolyPhen-2, Align-GVGD) all suggest that this variant is likely to be tolerated. This variant has not been reported in the literature in individuals affected with QARS-related conditions. This variant is present in population databases (no rsID available, gnomAD no frequency). This sequence change replaces glutamine, which is neutral and polar, with arginine, which is basic and polar, at codon 757 of the QARS protein (p.Gln757Arg).

NM_005051.3(QARS1):c.2270A>G (p.Gln757Arg)

Gene: QARS1 (glutaminyl-tRNA synthetase 1; minus strand). Cytogenetic location: 3p21.31.
Variant type: single nucleotide variant.
Coding change: c.2270A>G on transcript NM_005051.3 (MANE Select); coding-DNA position 2270, A replaced by G.
Protein change: p.Gln757Arg; replaces glutamine 757 with arginine.
Molecular consequence: missense variant. On other transcripts: non-coding transcript variant (1).
Genome position (GRCh38, 1-based): chr3:49,097,999, T>C on the plus strand (A>G on the coding strand, the complement: QARS1 is on the minus strand). VCF-style: chr3-49097999-T-C. GRCh37 (hg19) VCF-style: chr3-49135432-T-C.
Other names: c.2237A>G, p.Gln746Arg (NM_001272073.2); short protein forms Q757R, Q746R.
Identifiers: ClinVar variation 1352126 (VCV001352126.6), dbSNP rs1426097729, ClinGen allele CA352696470.